The following is an entry in ClinVar:

ClinVar aggregate classification (germline): Uncertain significance (1 of 4 stars; one submission).

gnomAD v4.1: 2 of 1,612,656 alleles (0.00012%); highest among the groups gnomAD compares: South Asian, 0.0011%; no homozygotes.

Submission:

Labcorp Genetics (formerly Invitae), Labcorp
Classification: Uncertain significance. Last evaluated: 2024-10-30. Review status: criteria provided, single submitter. Criteria: Invitae Variant Classification Sherloc (09022015). Collection method: clinical testing. Allele origin: germline.
Comment: This sequence change replaces arginine, which is basic and polar, with glycine, which is neutral and non-polar, at codon 59 of the TOPORS protein (p.Arg59Gly). The frequency data for this variant in the population databases is considered unreliable, as metrics indicate poor data quality at this position in the gnomAD database. This variant has not been reported in the literature in individuals affected with TOPORS-related conditions. An algorithm developed to predict the effect of missense changes on protein structure and function outputs the following: PolyPhen-2: "Benign". The glycine amino acid residue is found in multiple mammalian species, which suggests that this missense change does not adversely affect protein function. In summary, the available evidence is currently insufficient to determine the role of this variant in disease. Therefore, it has been classified as a Variant of Uncertain Significance.

NM_005802.5(TOPORS):c.175A>G (p.Arg59Gly)

Gene: TOPORS (TOP1 binding arginine/serine rich protein, E3 ubiquitin ligase; minus strand). Cytogenetic location: 9p21.1.
Variant type: single nucleotide variant.
Coding change: c.175A>G on transcript NM_005802.5 (MANE Select); coding-DNA position 175, A replaced by G.
Protein change: p.Arg59Gly; replaces arginine 59 with glycine.
Molecular consequence: missense variant. On other transcripts: intron variant (1).
Genome position (GRCh38, 1-based): chr9:32,550,797, T>C on the plus strand (A>G on the coding strand, the complement: TOPORS is on the minus strand). VCF-style: chr9-32550797-T-C. GRCh37 (hg19) VCF-style: chr9-32550795-T-C.
Other names: c.3+1637A>G (NM_001195622.2); short protein forms R59G.
Identifiers: ClinVar variation 3669558 (VCV003669558.2).